The following is an entry in ClinVar:

ClinVar aggregate classification (germline): Benign/Likely benign. Review status: criteria provided, multiple submitters, no conflicts (2 of 4 stars). 9 submissions from 9 submitters: Benign (7); Likely benign (2). Last evaluated 2026-07-23.

Conditions:
Intellectual disability, autosomal dominant 16 (CSS4). Also called: COFFIN-SIRIS SYNDROME 4. Identifiers: Orphanet 1465, MedGen C3553249, MONDO:0013821, OMIM 614609.
Rhabdoid tumor predisposition syndrome 2 (RTPS2). Identifiers: Orphanet 231108, Orphanet 69077, MedGen C2750074, MONDO:0013224, OMIM 613325.
Hereditary cancer-predisposing syndrome. Also called: Neoplastic Syndromes, Hereditary; Tumor predisposition; Hereditary Cancer Syndrome; Hereditary neoplastic syndrome. Identifiers: Orphanet 140162, MedGen C0027672, MeSH D009386, MONDO:0015356.

Allele frequency attached by ClinVar (database versions not stated): 1000 Genomes Project 30x 0.00172; TOPMed 0.00232; gnomAD 0.00200; ExAC 0.00063; ESP Exome Variant Server 0.00200; 1000 Genomes Project 0.00220.
gnomAD v4.1: 585 of 1,613,196 alleles (0.036%); highest among the groups gnomAD compares: African/African-American, 0.65%; 3 homozygotes.

Submissions (9):

Myriad Genetics, Inc.
Classification: Benign for Rhabdoid tumor predisposition syndrome 2. Last evaluated: 2026-07-23. Review status: criteria provided, single submitter. Criteria: Myriad Autosomal Dominant, Autosomal Recessive and X-Linked Classification Criteria (2023). Collection method: clinical testing. Allele origin: unknown.
Comment: This variant is considered benign. This variant is intronic and is not expected to impact mRNA splicing. This variant has been observed at a population frequency that is significantly greater than expected given the associated disease prevalence and penetrance.

Labcorp Genetics (formerly Invitae), Labcorp
Classification: Benign for Rhabdoid tumor predisposition syndrome 2. Last evaluated: 2026-02-03. Review status: criteria provided, single submitter. Criteria: Invitae Variant Classification Sherloc (09022015). Collection method: clinical testing. Allele origin: germline.

Quest Diagnostics Nichols Institute San Juan Capistrano
Classification: Benign. Last evaluated: 2025-04-25. Review status: criteria provided, single submitter. Criteria: Quest Diagnostics criteria. Collection method: clinical testing. Allele origin: unknown.

Blueprint Genetics
Classification: Likely benign. Last evaluated: 2024-11-25. Review status: criteria provided, single submitter. Criteria: ACMG Guidelines, 2015. Collection method: clinical testing. Allele origin: germline.

Genome-Nilou Lab
Classification: Benign for Intellectual disability, autosomal dominant 16. Last evaluated: 2021-07-15. Review status: criteria provided, single submitter. Criteria: ACMG Guidelines, 2015. Collection method: clinical testing. Allele origin: germline. Affected: no.

Sema4
Classification: Benign for Hereditary cancer-predisposing syndrome. Last evaluated: 2020-11-11. Review status: criteria provided, single submitter. Criteria: Sema4 Curation Guidelines. Collection method: curation. Allele origin: germline.

Eurofins Ntd Llc (ga)
Classification: Benign. Last evaluated: 2018-03-07. Review status: criteria provided, single submitter. Criteria: EGL ClinVar v180209 classification definitions. Collection method: clinical testing. Allele origin: germline. Observed: 1 variant allele, 1 heterozygote.

GeneDx
Classification: Likely benign. Last evaluated: 2017-10-20. Review status: criteria provided, single submitter. Criteria: GeneDx Variant Classification (06012015). Collection method: clinical testing. Allele origin: germline. Affected: yes.
Comment: This variant is considered likely benign or benign based on one or more of the following criteria: it is a conservative change, it occurs at a poorly conserved position in the protein, it is predicted to be benign by multiple in silico algorithms, and/or has population frequency not consistent with disease.

Genetic Services Laboratory, University of Chicago
Classification: Benign. Last evaluated: 2016-04-27. Review status: criteria provided, single submitter. Criteria: ACMG Guidelines, 2015. Collection method: clinical testing. Allele origin: germline. Affected: no.

NM_003072.5(SMARCA4):c.4768+10G>A

Gene: SMARCA4 (SWI/SNF related BAF chromatin remodeling complex subunit ATPase 4; plus strand). Cytogenetic location: 19p13.2.
Variant type: single nucleotide variant.
Coding change: c.4768+10G>A on transcript NM_003072.5 (MANE Select); 10 bases into the intron after coding-DNA position 4768, G replaced by A.
Molecular consequence: intron variant.
Genome position (GRCh38, 1-based): chr19:11,059,895, G>A. VCF-style: chr19-11059895-G-A. GRCh37 (hg19) VCF-style: chr19-11170571-G-A.
Other names: c.4768+10G>A (NM_001128844.3); c.4864+10G>A (NM_001128849.3, NM_001387283.1); c.4669+10G>A (NM_001128847.4, NM_001374457.1); c.4678+10G>A (NM_001128845.2); c.4675+10G>A (NM_001128846.2); c.4666+10G>A (NM_001128848.2).
Identifiers: ClinVar variation 212259 (VCV000212259.25), dbSNP rs201665695, ClinGen allele CA206022.